The following is an entry in ClinVar:

NM_000529.2(MC2R):c.133G>A (p.Val45Ile)

Gene: MC2R (melanocortin 2 receptor; minus strand). Cytogenetic location: 18p11.21.
Variant type: single nucleotide variant.
Coding change: c.133G>A on transcript NM_000529.2 (MANE Select); coding-DNA position 133, G replaced by A.
Protein change: p.Val45Ile; replaces valine 45 with isoleucine.
Molecular consequence: missense variant.
Genome position (GRCh38, 1-based): chr18:13,885,386, C>T on the plus strand (G>A on the coding strand, the complement: MC2R is on the minus strand). VCF-style: chr18-13885386-C-T. GRCh37 (hg19) VCF-style: chr18-13885385-C-T.
Other names: c.133G>A, p.Val45Ile (NM_001291911.1); short protein forms V45I.
Identifiers: ClinVar variation 889352 (VCV000889352.7), dbSNP rs148298654, ClinGen allele CA8902537.

ClinVar aggregate classification (germline): Uncertain significance. Review status: criteria provided, multiple submitters, no conflicts (2 of 4 stars). 3 submissions from 3 submitters: Uncertain significance (2). 1 of the submissions does not count toward it. Last evaluated 2020-11-05.

Conditions:
MC2R-related disorder. Also called: MC2R-related condition.
Glucocorticoid deficiency 1 (GCCD1). Also called: Adrenal unresponsiveness to acth; Glucocorticoid deficiency, due to ACTH unresponsiveness; FAMILIAL GLUCOCORTICOID DEFICIENCY 1. Identifiers: Orphanet 361, MedGen C4049650, MONDO:0024536, OMIM 202200.

Allele frequency attached by ClinVar (database versions not stated): 1000 Genomes Project 30x 0.00031; 1000 Genomes Project 0.00040; ExAC 0.00093; gnomAD exomes 0.00101 and 0.00141; gnomAD 0.00125 and 0.00128; TOPMed 0.00135; ESP Exome Variant Server 0.00146.
gnomAD v4.1: 2,236 of 1,614,074 alleles (0.14%); highest among the groups gnomAD compares: Non-Finnish European, 0.17%; 1 homozygote.

Submissions (3):

Women's Health and Genetics/Laboratory Corporation of America, LabCorp
Classification: Uncertain significance. Last evaluated: 2020-11-05. Review status: criteria provided, single submitter. Criteria: LabCorp Variant Classification Summary - May 2015. Collection method: clinical testing. Allele origin: germline.
Comment: Variant summary: MC2R c.133G>A (p.Val45Ile) results in a conservative amino acid change located in the GPCR, rhodopsin-like, 7TM domain (IPR017452) of the encoded protein sequence. Four of five in-silico tools predict a benign effect of the variant on protein function. The variant allele was found at a frequency of 0.001 in 251424 control chromosomes (gnomAD). c.133G>A has been reported in the literature in one individual affected with Glucocorticoid Deficiency (Naville_1996). The report does not provide unequivocal conclusions about association of the variant with Glucocorticoid Deficiency, Due To ACTH Unresponsiveness. At least one publication reports experimental evidence evaluating an impact on protein function and showed no damaging effect of this variant, indicating it to be a normal polymorphism (Naville_1996). One ClinVar submitter (evaluation after 2014) cites the variant as uncertain significance. Based on the evidence outlined above, the variant was classified as uncertain significance until additional evidence of clinical and/or functional importance becomes available.

Illumina Laboratory Services, Illumina
Classification: Uncertain significance for Glucocorticoid deficiency 1. Last evaluated: 2017-04-27. Review status: criteria provided, single submitter. Criteria: ICSL Variant Classification Criteria 13 December 2019. Collection method: clinical testing. Allele origin: germline.
Comment: This variant was observed as part of a predisposition screen in an ostensibly healthy population. A literature search was performed for the gene, cDNA change, and amino acid change (where applicable). Publications were found based on this search. However, the evidence from the literature, in combination with allele frequency data from public databases where available, was not sufficient to rule this variant in or out of causing disease. Therefore, this variant is classified as a variant of unknown significance.

PreventionGenetics, part of Exact Sciences
Classification: Likely benign for MC2R-related condition. Last evaluated: 2023-12-21. Review status: no assertion criteria provided. Collection method: clinical testing. Allele origin: germline. Not counted in ClinVar's aggregate classification.
Comment: This variant is classified as likely benign based on ACMG/AMP sequence variant interpretation guidelines (Richards et al. 2015 PMID: 25741868, with internal and published modifications).

Literature cited by the submitters: PubMed 18059087 (cited by Women's Health and Genetics/Laboratory Corporation of America, LabCorp); PubMed 16271481 (cited by Women's Health and Genetics/Laboratory Corporation of America, LabCorp); PubMed 18504396 (cited by Women's Health and Genetics/Laboratory Corporation of America, LabCorp and Illumina Laboratory Services, Illumina); PubMed 8636348 (cited by Women's Health and Genetics/Laboratory Corporation of America, LabCorp and Illumina Laboratory Services, Illumina).